The following is an entry in ClinVar:

ClinVar aggregate classification (germline): Pathogenic. Review status: criteria provided, single submitter (1 of 4 stars). 2 submissions from 2 submitters: Pathogenic (1). 1 of the submissions does not count toward it. Last evaluated 2023-12-10.

Conditions:
Spongy degeneration of central nervous system. Also called: Canavan disease; AMINOACYLASE 2 DEFICIENCY; ACY2 DEFICIENCY; ASP DEFICIENCY; ASPA DEFICIENCY; ASPARTOACYLASE DEFICIENCY. Identifiers: Orphanet 141, MedGen C0206307, MONDO:0010079, OMIM 271900.

Submissions (2):

Labcorp Genetics (formerly Invitae), Labcorp
Classification: Pathogenic for Spongy degeneration of central nervous system. Last evaluated: 2023-12-10. Review status: criteria provided, single submitter. Criteria: Invitae Variant Classification Sherloc (09022015). Collection method: clinical testing. Allele origin: germline.
Comment: This sequence change creates a premature translational stop signal (p.Met82Serfs*9) in the ASPA gene. It is expected to result in an absent or disrupted protein product. Loss-of-function variants in ASPA are known to be pathogenic (PMID: 12638939). This variant is not present in population databases (gnomAD no frequency). This variant has not been reported in the literature in individuals affected with ASPA-related conditions. ClinVar contains an entry for this variant (Variation ID: 371046). For these reasons, this variant has been classified as Pathogenic.

Counsyl
Classification: Likely pathogenic for Spongy degeneration of central nervous system. Last evaluated: 2016-06-13. Review status: no assertion criteria provided. Collection method: clinical testing. Allele origin: unknown. Not counted in ClinVar's aggregate classification.

Literature cited by the submitters: PubMed 12638939 (cited by Labcorp Genetics (formerly Invitae), Labcorp).

NM_000049.4(ASPA):c.245del (p.Met82fs)

Genes: ASPA (aspartoacylase; plus strand), SPATA22 (spermatogenesis associated 22; minus strand). Cytogenetic location: 17p13.2.
Variant type: Deletion.
Coding change: c.245del on transcript NM_000049.4 (MANE Select); coding-DNA position 245, one base deleted (T; older notation c.245delT).
Protein change: p.Met82fs; shifts the reading frame from methionine 82.
Molecular consequence: frameshift variant. On other transcripts: intron variant (2).
Genome position (GRCh38, 1-based): chr17:3,481,611, T deleted. VCF-style (leftmost placement, unchanged base first): chr17-3481610-AT-A. GRCh37 (hg19) VCF-style: chr17-3384904-AT-A.
Other names: c.245del, p.Met82fs (NM_001128085.1); c.-73-12213del (NM_001321336.2, NM_001321337.2); short protein forms M82fs.
Identifiers: ClinVar variation 371046 (VCV000371046.12), dbSNP rs1057516962, ClinGen allele CA16041823.